The following is an entry in ClinVar:

ClinVar aggregate classification (germline): Uncertain significance (1 of 4 stars; one submission).

Submission:

GeneDx
Classification: Uncertain significance. Last evaluated: 2025-05-02. Review status: criteria provided, single submitter. Criteria: GeneDx Variant Classification Process June 2021. Collection method: clinical testing. Allele origin: germline. Affected: yes.
Comment: Not observed at significant frequency in large population cohorts (gnomAD); In silico analysis supports that this missense variant has a deleterious effect on protein structure/function; Has not been previously published as pathogenic or benign to our knowledge

NM_022124.6(CDH23):c.5746C>A (p.Arg1916Ser)

Gene: CDH23 (cadherin related 23; plus strand). Cytogenetic location: 10q22.1.
Variant type: single nucleotide variant.
Coding change: c.5746C>A on transcript NM_022124.6 (MANE Select); coding-DNA position 5746, C replaced by A.
Protein change: p.Arg1916Ser; replaces arginine 1916 with serine.
Molecular consequence: missense variant.
Genome position (GRCh38, 1-based): chr10:71,785,664, C>A. VCF-style: chr10-71785664-C-A. GRCh37 (hg19) VCF-style: chr10-73545421-C-A.
Other names: short protein forms R1916S.
Identifiers: ClinVar variation 4527737 (VCV004527737.1).